The following is an entry in ClinVar:

ClinVar aggregate classification (germline): Conflicting classifications of pathogenicity. Review status: criteria provided, conflicting classifications (1 of 4 stars). 2 submissions from 2 submitters: Uncertain significance (1); Likely benign (1). Last evaluated 2026-07-16.

Conditions:
Ataxia-telangiectasia syndrome (AT). Also called: Ataxia-telangiectasia, complementation group E; Ataxia telangiectasia (A-T); LOUIS-BAR SYNDROME; Cerebello-oculocutaneous telangiectasia; Immunodeficiency with ataxia telangiectasia; Ataxia-telangiectasia, complementation group D. Identifiers: Orphanet 100, MedGen C0004135, MONDO:0008840, OMIM 208900.
Hereditary cancer-predisposing syndrome. Also called: Hereditary Cancer Syndrome; Hereditary neoplastic syndrome; Neoplastic Syndromes, Hereditary; Tumor predisposition. Identifiers: Orphanet 140162, MedGen C0027672, MeSH D009386, MONDO:0015356.

Submissions (2):

Ambry Genetics
Classification: Likely benign for Hereditary cancer-predisposing syndrome. Last evaluated: 2026-07-16. Review status: criteria provided, single submitter. Criteria: Ambry Variant Classification Scheme 2023. Collection method: clinical testing. Allele origin: germline.

Labcorp Genetics (formerly Invitae), Labcorp
Classification: Uncertain significance for Ataxia-telangiectasia syndrome. Last evaluated: 2023-04-07. Review status: criteria provided, single submitter. Criteria: Invitae Variant Classification Sherloc (09022015). Collection method: clinical testing. Allele origin: germline.
Comment: In summary, the available evidence is currently insufficient to determine the role of this variant in disease. Therefore, it has been classified as a Variant of Uncertain Significance. Algorithms developed to predict the effect of missense changes on protein structure and function output the following: SIFT: "Not Available"; PolyPhen-2: "Benign"; Align-GVGD: "Not Available". The lysine amino acid residue is found in multiple mammalian species, which suggests that this missense change does not adversely affect protein function. This variant has not been reported in the literature in individuals affected with ATM-related conditions. This variant is not present in population databases (gnomAD no frequency). This sequence change replaces arginine, which is basic and polar, with lysine, which is basic and polar, at codon 469 of the ATM protein (p.Arg469Lys).

Literature cited by the submitters: PubMed 40580951 (cited by Ambry Genetics).

NM_000051.4(ATM):c.1406G>A (p.Arg469Lys)

Gene: ATM (ATM serine/threonine kinase; plus strand). Cytogenetic location: 11q22.3.
Variant type: single nucleotide variant.
Coding change: c.1406G>A on transcript NM_000051.4 (MANE Select); coding-DNA position 1406, G replaced by A.
Protein change: p.Arg469Lys; replaces arginine 469 with lysine.
Molecular consequence: missense variant.
Genome position (GRCh38, 1-based): chr11:108,250,871, G>A. VCF-style: chr11-108250871-G-A. GRCh37 (hg19) VCF-style: chr11-108121598-G-A.
Other names: c.1406G>A, p.Arg469Lys (NM_001351834.2); short protein forms R469K.
Identifiers: ClinVar variation 2853183 (VCV002853183.4), dbSNP rs2135321705, ClinGen allele CA382533948.